The following is an entry in ClinVar:

NM_198578.4(LRRK2):c.937C>T (p.Leu313Phe)

Gene: LRRK2 (leucine rich repeat kinase 2; plus strand). Cytogenetic location: 12q12.
Variant type: single nucleotide variant.
Coding change: c.937C>T on transcript NM_198578.4 (MANE Select); coding-DNA position 937, C replaced by T.
Protein change: p.Leu313Phe; replaces leucine 313 with phenylalanine.
Molecular consequence: missense variant.
Genome position (GRCh38, 1-based): chr12:40,249,924, C>T. VCF-style: chr12-40249924-C-T. GRCh37 (hg19) VCF-style: chr12-40643726-C-T.
Other names: short protein forms L313F.
Identifiers: ClinVar variation 1766736 (VCV001766736.3), dbSNP rs1565679753, ClinGen allele CA384407391.

ClinVar aggregate classification (germline): Uncertain significance (1 of 4 stars; one submission).

Conditions:
Inborn genetic diseases. Identifiers: MedGen C0950123, MeSH D030342.

Allele frequency attached by ClinVar (database versions not stated): gnomAD exomes below 0.00001; gnomAD 0.00001.
gnomAD v4.1: 2 of 1,613,700 alleles (0.00012%); highest among the groups gnomAD compares: Non-Finnish European, 0.00017%; no homozygotes.

Submission:

Ambry Genetics
Classification: Uncertain significance for Inborn genetic diseases. Last evaluated: 2024-05-23. Review status: criteria provided, single submitter. Criteria: Ambry Variant Classification Scheme 2023. Collection method: clinical testing. Allele origin: germline.
Comment: The p.L313F variant (also known as c.937C>T), located in coding exon 8 of the LRRK2 gene, results from a C to T substitution at nucleotide position 937. The leucine at codon 313 is replaced by phenylalanine, an amino acid with highly similar properties. This amino acid position is conserved. In addition, the in silico prediction for this alteration is inconclusive. Since supporting evidence is limited at this time, the clinical significance of this alteration remains unclear.